The following is an entry in ClinVar:

ClinVar aggregate classification (germline): Uncertain significance. Review status: criteria provided, multiple submitters, no conflicts (2 of 4 stars). 2 submissions from 2 submitters: Uncertain significance (2). Last evaluated 2025-04-12.

Conditions:
Inborn genetic diseases. Identifiers: MedGen C0950123, MeSH D030342.

Allele frequency attached by ClinVar (database versions not stated): gnomAD exomes 0.00002; TOPMed 0.00003; ExAC 0.00005; gnomAD 0.00005; ESP Exome Variant Server 0.00008.
gnomAD v4.1: 42 of 1,614,048 alleles (0.0026%); highest among the groups gnomAD compares: African/African-American, 0.0013%; no homozygotes.

Submissions (2):

Ambry Genetics
Classification: Uncertain significance for Inborn genetic diseases. Last evaluated: 2025-04-12. Review status: criteria provided, single submitter. Criteria: Ambry Variant Classification Scheme 2023. Collection method: clinical testing. Allele origin: germline.

Labcorp Genetics (formerly Invitae), Labcorp
Classification: Uncertain significance. Last evaluated: 2024-05-21. Review status: criteria provided, single submitter. Criteria: Invitae Variant Classification Sherloc (09022015). Collection method: clinical testing. Allele origin: germline.
Comment: This sequence change replaces glutamic acid, which is acidic and polar, with lysine, which is basic and polar, at codon 2112 of the DNAH9 protein (p.Glu2112Lys). This variant is present in population databases (rs144754222, gnomAD 0.08%). This variant has not been reported in the literature in individuals affected with DNAH9-related conditions. ClinVar contains an entry for this variant (Variation ID: 2060898). Advanced modeling of protein sequence and biophysical properties (such as structural, functional, and spatial information, amino acid conservation, physicochemical variation, residue mobility, and thermodynamic stability) has been performed at Invitae for this missense variant, however the output from this modeling did not meet the statistical confidence thresholds required to predict the impact of this variant on DNAH9 protein function. In summary, the available evidence is currently insufficient to determine the role of this variant in disease. Therefore, it has been classified as a Variant of Uncertain Significance.

NM_001372.4(DNAH9):c.6334G>A (p.Glu2112Lys)

Gene: DNAH9 (dynein axonemal heavy chain 9; plus strand). Cytogenetic location: 17p12.
Variant type: single nucleotide variant.
Coding change: c.6334G>A on transcript NM_001372.4 (MANE Select); coding-DNA position 6334, G replaced by A.
Protein change: p.Glu2112Lys; replaces glutamic acid 2112 with lysine.
Molecular consequence: missense variant.
Genome position (GRCh38, 1-based): chr17:11,745,019, G>A. VCF-style: chr17-11745019-G-A. GRCh37 (hg19) VCF-style: chr17-11648336-G-A.
Other names: c.6334G>A (NM_001372.3); short protein forms E2112K.
Identifiers: ClinVar variation 2060898 (VCV002060898.5), dbSNP rs144754222, ClinGen allele CA8396280.